The following is an entry in ClinVar:

NM_001243156.2(TAF1C):c.1489G>A (p.Gly497Arg)

Gene: TAF1C (TATA-box binding protein associated factor, RNA polymerase I subunit C; minus strand). Cytogenetic location: 16q24.1.
Variant type: single nucleotide variant.
Coding change: c.1489G>A on transcript NM_001243156.2 (MANE Select); coding-DNA position 1489, G replaced by A.
Protein change: p.Gly497Arg; replaces glycine 497 with arginine.
Molecular consequence: missense variant.
Genome position (GRCh38, 1-based): chr16:84,180,078, C>T on the plus strand (G>A on the coding strand, the complement: TAF1C is on the minus strand). VCF-style: chr16-84180078-C-T. GRCh37 (hg19) VCF-style: chr16-84213684-C-T.
Other names: c.571G>A, p.Gly191Arg (NM_001243157.2, NM_001243158.2); c.340G>A, p.Gly114Arg (NM_001243159.2); c.136G>A, p.Gly46Arg (NM_001243160.2); c.1567G>A, p.Gly523Arg (NM_005679.4); c.1285G>A, p.Gly429Arg (NM_139353.3); short protein forms G114R, G191R, G429R, G46R, G497R, G523R.
Identifiers: ClinVar variation 3068683 (VCV003068683.1), dbSNP rs4150167, ClinGen allele CA8203626.
Genomic context (GRCh38, chr16:84,180,078, plus strand): 5'-GGGAGTCGATCCTGGAAGGAAGAGACTGGGGGGGGCCTGCCAGGCGGGGCACCGACGCCC[C>T]TTCTCCTGAGGAAGGACAGACAGCTGAGGCCCTGTCCAGGCCCCGACCGCCCCATCTCCC-3'
Protein context (NP_001230085.2, residues 487-507): QLQLLHLAGE[Gly497Arg]ASVPRLAGPP

ClinVar aggregate classification (germline): Benign (1 of 4 stars; one submission).

Conditions:
Complex neurodevelopmental disorder. Identifiers: Orphanet 528084, MedGen C5568766, MONDO:0100038.

Allele frequency attached by ClinVar (database versions not stated): 1000 Genomes Project 0.01218; 1000 Genomes Project 30x 0.01327; ESP Exome Variant Server 0.01362; gnomAD 0.01548; TOPMed 0.01560; gnomAD exomes 0.01987; ExAC 0.01996.

Submission:

Molecular Genetics, Royal Melbourne Hospital
Classification: Benign for Complex neurodevelopmental disorder. Last evaluated: 2023-05-04. Review status: criteria provided, single submitter. Criteria: ACMG Guidelines, 2015. Collection method: clinical testing. Allele origin: germline. Affected: yes.
Comment: South Asian population allele frequency is 3.735% (rs4150167, 1059/26938 alleles, 75 homozygotes in gnomAD v2.1). Based on the classification scheme RMH Modified ACMG/AMP Guidelines v1.2.1, this variant is classified as BENIGN. Following criteria are met: BA1